The following is an entry in ClinVar:

NM_006031.6(PCNT):c.7320+1G>A

Gene: PCNT (pericentrin; plus strand). Cytogenetic location: 21q22.3.
Variant type: single nucleotide variant.
Coding change: c.7320+1G>A on transcript NM_006031.6 (MANE Select); the canonical splice donor site of the intron after coding-DNA position 7320, G replaced by A.
Molecular consequence: splice donor variant.
Genome position (GRCh38, 1-based): chr21:46,425,972, G>A. VCF-style: chr21-46425972-G-A. GRCh37 (hg19) VCF-style: chr21-47845886-G-A.
Other names: c.6966+1G>A (NM_001315529.2).
Identifiers: ClinVar variation 3349095 (VCV003349095.1).
Genomic context (GRCh38, chr21:46,425,972, plus strand): 5'-CACCCACCCCGGAAGGAAGACGAGATACAGGACATCTCGCTCCATGGGGGAAAGACGCAG[G>A]TTTATTTTGCCCTTCACACACTTCTTTTCCAAAGGATTTAAGGAGCTTGTGGTAATGGCC-3'

ClinVar aggregate classification (germline): Likely pathogenic (0 of 4 stars; one submission).

Conditions:
PCNT-related disorder. Also called: PCNT-related condition.

gnomAD v4.1: 3 of 1,612,724 alleles (0.00019%); highest among the groups gnomAD compares: East Asian, 0.0022%; no homozygotes.

Submission:

PreventionGenetics, part of Exact Sciences
Classification: Likely pathogenic for PCNT-related condition. Last evaluated: 2023-11-15. Review status: no assertion criteria provided. Collection method: clinical testing. Allele origin: germline.
Comment: The PCNT c.7320+1G>A variant is predicted to disrupt the GT donor site and interfere with normal splicing. To our knowledge, this variant has not been reported in the literature. This variant is reported in 0.0033% of alleles in individuals of South Asian descent in gnomAD. Variants that disrupt the consensus splice donor site in PCNT are expected to be pathogenic. This variant is interpreted as likely pathogenic.